The following is an entry in ClinVar:

ClinVar aggregate classification (germline): Uncertain significance (1 of 4 stars; one submission).

gnomAD v4.1: 2 of 1,611,186 alleles (0.00012%); highest among the groups gnomAD compares: Non-Finnish European, 0.00017%; no homozygotes.

Submission:

GeneDx
Classification: Uncertain significance. Last evaluated: 2024-11-26. Review status: criteria provided, single submitter. Criteria: GeneDx Variant Classification Process June 2021. Collection method: clinical testing. Allele origin: germline. Affected: yes.
Comment: Not observed at significant frequency in large population cohorts (gnomAD); In silico analysis supports that this missense variant has a deleterious effect on protein structure/function; Has not been previously published as pathogenic or benign to our knowledge

NM_001429.4(EP300):c.2779C>G (p.Pro927Ala)

Gene: EP300 (EP300 lysine acetyltransferase; plus strand). Cytogenetic location: 22q13.2.
Variant type: single nucleotide variant.
Coding change: c.2779C>G on transcript NM_001429.4 (MANE Select); coding-DNA position 2779, C replaced by G.
Protein change: p.Pro927Ala; replaces proline 927 with alanine.
Molecular consequence: missense variant.
Genome position (GRCh38, 1-based): chr22:41,150,160, C>G. VCF-style: chr22-41150160-C-G. GRCh37 (hg19) VCF-style: chr22-41546164-C-G.
Other names: c.2701C>G, p.Pro901Ala (NM_001362843.2); short protein forms P901A, P927A.
Identifiers: ClinVar variation 3900823 (VCV003900823.1).